The following is an entry in ClinVar:

NM_005413.4(SIX3):c.478G>A (p.Glu160Lys)

Gene: SIX3 (SIX homeobox 3; plus strand). Cytogenetic location: 2p21.
Variant type: single nucleotide variant.
Coding change: c.478G>A on transcript NM_005413.4 (MANE Select); coding-DNA position 478, G replaced by A.
Protein change: p.Glu160Lys; replaces glutamic acid 160 with lysine.
Molecular consequence: missense variant.
Genome position (GRCh38, 1-based): chr2:44,942,582, G>A. VCF-style: chr2-44942582-G-A. GRCh37 (hg19) VCF-style: chr2-45169721-G-A.
Other names: short protein forms E160K.
Identifiers: ClinVar variation 2890764 (VCV002890764.3), dbSNP rs2466514310, ClinGen allele CA346799670.

ClinVar aggregate classification (germline): Uncertain significance (1 of 4 stars; one submission).

Conditions:
Holoprosencephaly 2 (HPE2). Identifiers: Orphanet 2162, MedGen C1834877, MONDO:0007999, OMIM 157170.

Allele frequency attached by ClinVar (database versions not stated): gnomAD exomes below 0.00001.
gnomAD v4.1: 2 of 1,598,502 alleles (0.00013%); highest among the groups gnomAD compares: Non-Finnish European, 0.00017%; no homozygotes.

Submission:

Labcorp Genetics (formerly Invitae), Labcorp
Classification: Uncertain significance for Holoprosencephaly 2. Last evaluated: 2022-12-29. Review status: criteria provided, single submitter. Criteria: Invitae Variant Classification Sherloc (09022015). Collection method: clinical testing. Allele origin: germline.
Comment: This sequence change replaces glutamic acid, which is acidic and polar, with lysine, which is basic and polar, at codon 160 of the SIX3 protein (p.Glu160Lys). This variant is not present in population databases (gnomAD no frequency). This variant has not been reported in the literature in individuals affected with SIX3-related conditions. Advanced modeling of protein sequence and biophysical properties (such as structural, functional, and spatial information, amino acid conservation, physicochemical variation, residue mobility, and thermodynamic stability) performed at Invitae indicates that this missense variant is not expected to disrupt SIX3 protein function. In summary, the available evidence is currently insufficient to determine the role of this variant in disease. Therefore, it has been classified as a Variant of Uncertain Significance.